The following is an entry in ClinVar:

NM_000057.4(BLM):c.1733A>G (p.Lys578Arg)

Gene: BLM (BLM RecQ like helicase; plus strand). Cytogenetic location: 15q26.1.
Variant type: single nucleotide variant.
Coding change: c.1733A>G on transcript NM_000057.4 (MANE Select); coding-DNA position 1733, A replaced by G.
Protein change: p.Lys578Arg; replaces lysine 578 with arginine.
Molecular consequence: missense variant.
Genome position (GRCh38, 1-based): chr15:90,761,106, A>G. VCF-style: chr15-90761106-A-G. GRCh37 (hg19) VCF-style: chr15-91304336-A-G.
Other names: c.1733A>G, p.Lys578Arg (NM_001287246.2, NM_001287247.2); c.608A>G, p.Lys203Arg (NM_001287248.2); short protein forms K203R, K578R.
Identifiers: ClinVar variation 2902411 (VCV002902411.4), dbSNP rs2151158873, ClinGen allele CA393843729.

ClinVar aggregate classification (germline): Uncertain significance. Review status: criteria provided, multiple submitters, no conflicts (2 of 4 stars). 2 submissions from 2 submitters: Uncertain significance (2). Last evaluated 2025-08-23.

Conditions:
Bloom syndrome (BLM). Also called: Bloom-Torre-Machacek syndrome. Identifiers: Orphanet 125, MedGen C0005859, MONDO:0008876, OMIM 210900.
Hereditary cancer-predisposing syndrome. Also called: Hereditary Cancer Syndrome; Hereditary neoplastic syndrome; Tumor predisposition; Neoplastic Syndromes, Hereditary. Identifiers: Orphanet 140162, MedGen C0027672, MeSH D009386, MONDO:0015356.

Submissions (2):

Ambry Genetics
Classification: Uncertain significance for Hereditary cancer-predisposing syndrome. Last evaluated: 2025-08-23. Review status: criteria provided, single submitter. Criteria: Ambry Variant Classification Scheme 2023. Collection method: clinical testing. Allele origin: germline.
Comment: The p.K578R variant (also known as c.1733A>G), located in coding exon 6 of the BLM gene, results from an A to G substitution at nucleotide position 1733. The lysine at codon 578 is replaced by arginine, an amino acid with highly similar properties. This amino acid position is conserved. In addition, this alteration is predicted to be tolerated by in silico analysis. Based on the available evidence, the clinical significance of this variant remains unclear.

Labcorp Genetics (formerly Invitae), Labcorp
Classification: Uncertain significance for Bloom syndrome. Last evaluated: 2025-02-02. Review status: criteria provided, single submitter. Criteria: Invitae Variant Classification Sherloc (09022015). Collection method: clinical testing. Allele origin: germline.
Comment: This sequence change replaces lysine, which is basic and polar, with arginine, which is basic and polar, at codon 578 of the BLM protein (p.Lys578Arg). This variant is not present in population databases (gnomAD no frequency). This variant has not been reported in the literature in individuals affected with BLM-related conditions. ClinVar contains an entry for this variant (Variation ID: 2902411). Invitae Evidence Modeling of protein sequence and biophysical properties (such as structural, functional, and spatial information, amino acid conservation, physicochemical variation, residue mobility, and thermodynamic stability) indicates that this missense variant is not expected to disrupt BLM protein function with a negative predictive value of 80%. In summary, the available evidence is currently insufficient to determine the role of this variant in disease. Therefore, it has been classified as a Variant of Uncertain Significance.